The following is an entry in ClinVar:

NM_001257291.2(SLC9A7):c.1351-20A>G

Gene: SLC9A7 (solute carrier family 9 member A7; minus strand). Cytogenetic location: Xp11.3.
Variant type: single nucleotide variant.
Coding change: c.1351-20A>G on transcript NM_001257291.2 (MANE Select); 20 bases into the intron before coding-DNA position 1351, A replaced by G.
Molecular consequence: intron variant.
Genome position (GRCh38, 1-based): chrX:46,648,817, T>C on the plus strand (A>G on the coding strand, the complement: SLC9A7 is on the minus strand). VCF-style: chrX-46648817-T-C. GRCh37 (hg19) VCF-style: chrX-46508252-T-C.
Other names: c.1348-20A>G (NM_032591.3).
Identifiers: ClinVar variation 2959579 (VCV002959579.3), dbSNP rs369528852, ClinGen allele CA329678811.

ClinVar aggregate classification (germline): Uncertain significance (1 of 4 stars; one submission).

Allele frequency attached by ClinVar (database versions not stated): gnomAD exomes 0.00001; gnomAD 0.00003; TOPMed 0.00006; ESP Exome Variant Server 0.00009.
gnomAD v4.1: 13 of 1,115,130 alleles (0.0012%); highest among the groups gnomAD compares: African/African-American, 0.022%; no homozygotes.

Submission:

Labcorp Genetics (formerly Invitae), Labcorp
Classification: Uncertain significance. Last evaluated: 2023-08-14. Review status: criteria provided, single submitter. Criteria: Invitae Variant Classification Sherloc (09022015). Collection method: clinical testing. Allele origin: germline.
Comment: This variant is present in population databases (rs369528852, gnomAD 0.02%). In summary, the available evidence is currently insufficient to determine the role of this variant in disease. Therefore, it has been classified as a Variant of Uncertain Significance. This sequence change falls in intron 10 of the SLC9A7 gene. It does not directly change the encoded amino acid sequence of the SLC9A7 protein. This variant has not been reported in the literature in individuals affected with SLC9A7-related conditions. Algorithms developed to predict the effect of sequence changes on RNA splicing suggest that this variant may disrupt the consensus splice site.